The following is an entry in ClinVar:

ClinVar aggregate classification (germline): Likely pathogenic (1 of 4 stars; one submission).

Conditions:
Hypertrophic cardiomyopathy. Also called: HYPERTROPHIC MYOCARDIOPATHY. Identifiers: Orphanet 217569, MedGen C0007194, MeSH D002312, MONDO:0005045, HP:0001639.

Submission:

Laboratory for Molecular Medicine, Mass General Brigham Personalized Medicine
Classification: Likely pathogenic for Hypertrophic cardiomyopathy. Last evaluated: 2018-09-07. Review status: criteria provided, single submitter. Criteria: LMM Criteria. Collection method: clinical testing. Allele origin: germline. Inheritance: Autosomal dominant inheritance. Observed: 1 variant allele.
Comment: The c.773-2A>T variant in MYBPC3 has not been reported in any individuals with h ypertrophic cardiomyopathy (HCM) or in large population studies. This variant oc curs in the invariant region (+/- 1,2) of the splice consensus sequence and is p redicted to cause altered splicing leading to an abnormal or absent protein. Het erozygous loss of function of the MYBPC3 gene is an established disease mechanis m in autosomal dominant HCM. In summary, although additional studies are require d to fully establish its clinical significance, the c.773-2A>T variant is likely pathogenic. ACMG/AMP Criteria applied: PVS1, PM2.

NM_000256.3(MYBPC3):c.773-2A>T

Gene: MYBPC3 (myosin binding protein C3; minus strand). Cytogenetic location: 11p11.2.
Variant type: single nucleotide variant.
Coding change: c.773-2A>T on transcript NM_000256.3 (MANE Select); the canonical splice acceptor site of the intron before coding-DNA position 773, A replaced by T.
Molecular consequence: splice acceptor variant.
Genome position (GRCh38, 1-based): chr11:47,347,907, T>A on the plus strand (A>T on the coding strand, the complement: MYBPC3 is on the minus strand). VCF-style: chr11-47347907-T-A. GRCh37 (hg19) VCF-style: chr11-47369458-T-A.
Identifiers: ClinVar variation 667410 (VCV000667410.4), dbSNP rs1595848628, ClinGen allele CA380334016.